The following is an entry in ClinVar:

ClinVar aggregate classification (germline): Likely benign. Review status: criteria provided, multiple submitters, no conflicts (2 of 4 stars). 2 submissions from 2 submitters: Likely benign (2). Last evaluated 2025-11-17.

Allele frequency attached by ClinVar (database versions not stated): ESP Exome Variant Server 0.00008; 1000 Genomes Project 30x 0.00016; gnomAD 0.00022; gnomAD exomes 0.00022 and 0.00027; TOPMed 0.00023; ExAC 0.00034.
gnomAD v4.1: 341 of 1,596,020 alleles (0.021%); highest among the groups gnomAD compares: East Asian, 0.03%; no homozygotes.

Submissions (2):

Labcorp Genetics (formerly Invitae), Labcorp
Classification: Likely benign. Last evaluated: 2025-11-17. Review status: criteria provided, single submitter. Criteria: Invitae Variant Classification Sherloc (09022015). Collection method: clinical testing. Allele origin: germline.

CeGaT Center for Human Genetics Tuebingen
Classification: Likely benign. Last evaluated: 2023-12-01. Review status: criteria provided, single submitter. Criteria: CeGaT Center For Human Genetics Tuebingen Variant Classification Criteria Version 2. Collection method: clinical testing. Allele origin: germline. Affected: yes. Observed: 5 variant alleles.
Comment: DLL1: BP4, BP7

NM_005618.4(DLL1):c.1455C>T (p.Cys485=)

Gene: DLL1 (delta like canonical Notch ligand 1; minus strand). Cytogenetic location: 6q27.
Variant type: single nucleotide variant.
Coding change: c.1455C>T on transcript NM_005618.4 (MANE Select); coding-DNA position 1455, C replaced by T.
Protein change: p.Cys485=; no amino-acid change (cysteine 485 retained).
Molecular consequence: synonymous variant.
Genome position (GRCh38, 1-based): chr6:170,283,824, G>A on the plus strand (C>T on the coding strand, the complement: DLL1 is on the minus strand). VCF-style: chr6-170283824-G-A. GRCh37 (hg19) VCF-style: chr6-170592912-G-A.
Identifiers: ClinVar variation 720128 (VCV000720128.36), dbSNP rs144456629, ClinGen allele CA4106821.